The following is an entry in ClinVar:

NM_024753.5(TTC21B):c.*516C>T

Gene: TTC21B (tetratricopeptide repeat domain 21B; minus strand). Cytogenetic location: 2q24.3.
Variant type: single nucleotide variant.
Coding change: c.*516C>T on transcript NM_024753.5 (MANE Select); 516 bases downstream of the stop codon, C replaced by T.
Molecular consequence: 3 prime UTR variant.
Genome position (GRCh38, 1-based): chr2:165,874,239, G>A on the plus strand (C>T on the coding strand, the complement: TTC21B is on the minus strand). VCF-style: chr2-165874239-G-A. GRCh37 (hg19) VCF-style: chr2-166730749-G-A.
Identifiers: ClinVar variation 331812 (VCV000331812.5), dbSNP rs185578095, ClinGen allele CA10612719.
Genomic context (GRCh38, chr2:165,874,239, plus strand): 5'-TACTAAAAATACAAAAAATTAGCCGGGTGTGATGGCACATGCCTTTAGTCCCAGCTACTC[G>A]GGAGGCTGAAGCAGGAGAATCGCGTAAACCCAGGAGGCGGAGGTTGCAGTGAGCCAAGAT-3'

ClinVar aggregate classification (germline): Likely benign. Review status: criteria provided, single submitter (1 of 4 stars). 2 submissions from 1 submitter: Likely benign (2). Last evaluated 2018-01-12.

Conditions:
Nephronophthisis 12 (NPHP12). Identifiers: Orphanet 655, MedGen C3151186, MONDO:0013442, OMIM 613820.
Asphyxiating thoracic dystrophy 4 (SRTD4). Also called: SHORT-RIB THORACIC DYSPLASIA 4 WITH OR WITHOUT POLYDACTYLY; SHORT-RIB THORACIC DYSPLASIA 4. Identifiers: Orphanet 474, MedGen C3151185, MONDO:0013441, OMIM 613819.

Allele frequency attached by ClinVar (database versions not stated): gnomAD 0.00047 and 0.00077; TOPMed 0.00099; 1000 Genomes Project 30x 0.00265; 1000 Genomes Project 0.00319.

Submissions (2):

Illumina Laboratory Services, Illumina
Classification: Likely benign for Asphyxiating thoracic dystrophy 4. Last evaluated: 2018-01-12. Review status: criteria provided, single submitter. Criteria: ICSL Variant Classification Criteria 13 December 2019. Collection method: clinical testing. Allele origin: germline.
Comment: This variant was observed in the ICSL laboratory as part of a predisposition screen in an ostensibly healthy population. It had not been previously curated by ICSL or reported in the Human Gene Mutation Database (HGMD: prior to June 1st, 2018), and was therefore a candidate for classification through an automated scoring system. Utilizing variant allele frequency, disease prevalence and penetrance estimates, and inheritance mode, an automated score was calculated to assess if this variant is too frequent to cause the disease. Based on the score and internal cut-off values, a variant classified as likely benign is not then subjected to further curation. The score for this variant resulted in a classification of likely benign for this disease.

Illumina Laboratory Services, Illumina
Classification: Likely benign for Nephronophthisis 12. Last evaluated: 2018-01-12. Review status: criteria provided, single submitter. Criteria: ICSL Variant Classification Criteria 13 December 2019. Collection method: clinical testing. Allele origin: germline.
Comment: the same text as in the submission from Illumina Laboratory Services, Illumina above.